The following is an entry in ClinVar:

ClinVar aggregate classification (germline): Conflicting classifications of pathogenicity. Review status: criteria provided, conflicting classifications (1 of 4 stars). 2 submissions from 2 submitters: Likely pathogenic (1); Uncertain significance (1).

Conditions:
Intellectual developmental disorder, autosomal dominant 22. Also called: Intellectual disability, autosomal dominant 22. Identifiers: MedGen CN029689, MONDO:0012869, OMIM 612337.

Submissions (2):

Dr. med. U. Finckh, Human Genetics, Eurofins MVZ
Classification: Likely pathogenic for Intellectual developmental disorder, autosomal dominant 22. Review status: criteria provided, single submitter. Criteria: ACMG Guidelines, 2015. Collection method: clinical testing. Allele origin: de novo. Affected: yes.
Comment: ZBTB18 is highly intolerant against variation (PMID 27598823).

Juno Genomics, Hangzhou Juno Genomics, Inc
Classification: Uncertain significance for Intellectual developmental disorder, autosomal dominant 22. Review status: criteria provided, single submitter. Criteria: ACMG Guidelines, 2015. Collection method: clinical testing. Allele origin: germline.
Comment: Absent from controls (or at extremely low frequency if recessive) in Genome Aggregation Database.;Missense variant in a gene that has a low rate of benign missense variation.;Multiple lines of computational evidence suggest no impact on gene or gene product.

NM_205768.3(ZBTB18):c.1411C>T (p.Arg471Cys)

Gene: ZBTB18 (zinc finger and BTB domain containing 18; plus strand). Cytogenetic location: 1q44.
Variant type: single nucleotide variant.
Coding change: c.1411C>T on transcript NM_205768.3 (MANE Select); coding-DNA position 1411, C replaced by T.
Protein change: p.Arg471Cys; replaces arginine 471 with cysteine.
Molecular consequence: missense variant.
Genome position (GRCh38, 1-based): chr1:244,055,185, C>T. VCF-style: chr1-244055185-C-T. GRCh37 (hg19) VCF-style: chr1-244218487-C-T.
Other names: c.1384C>T, p.Arg462Cys (NM_001278196.2, NM_006352.5); c.*588C>T (NM_001421566.1); short protein forms R462C, R471C.
Identifiers: ClinVar variation 2505560 (VCV002505560.3), dbSNP rs2527561443, ClinGen allele CA345675068.